The following is an entry in ClinVar:

NM_018671.5(UNC45A):c.1427C>G (p.Ala476Gly)

Gene: UNC45A (unc-45 myosin chaperone A; plus strand). Cytogenetic location: 15q26.1.
Variant type: single nucleotide variant.
Coding change: c.1427C>G on transcript NM_018671.5 (MANE Select); coding-DNA position 1427, C replaced by G.
Protein change: p.Ala476Gly; replaces alanine 476 with glycine.
Molecular consequence: missense variant.
Genome position (GRCh38, 1-based): chr15:90,946,841, C>G. VCF-style: chr15-90946841-C-G. GRCh37 (hg19) VCF-style: chr15-91490071-C-G.
Other names: c.1382C>G, p.Ala461Gly (NM_001039675.2, NM_001323621.2); c.1427C>G, p.Ala476Gly (NM_001323619.1); c.992C>G, p.Ala331Gly (NM_001323620.2); short protein forms A461G, A476G, A331G.
Identifiers: ClinVar variation 1394954 (VCV001394954.8), dbSNP rs2151370135, ClinGen allele CA393856956.

ClinVar aggregate classification (germline): Uncertain significance (1 of 4 stars; one submission).

Submission:

Labcorp Genetics (formerly Invitae), Labcorp
Classification: Uncertain significance. Last evaluated: 2022-02-08. Review status: criteria provided, single submitter. Criteria: Invitae Variant Classification Sherloc (09022015). Collection method: clinical testing. Allele origin: germline.
Comment: This sequence change replaces alanine, which is neutral and non-polar, with glycine, which is neutral and non-polar, at codon 476 of the UNC45A protein (p.Ala476Gly). This variant is not present in population databases (gnomAD no frequency). This variant has not been reported in the literature in individuals affected with UNC45A-related conditions. Algorithms developed to predict the effect of missense changes on protein structure and function are either unavailable or do not agree on the potential impact of this missense change (SIFT: "Not Available"; PolyPhen-2: "Possibly Damaging"; Align-GVGD: "Not Available"). In summary, the available evidence is currently insufficient to determine the role of this variant in disease. Therefore, it has been classified as a Variant of Uncertain Significance.